The following is an entry in ClinVar:

NM_001103.4(ACTN2):c.782A>G (p.Gln261Arg)

Gene: ACTN2 (actinin alpha 2; plus strand). Cytogenetic location: 1q43.
Variant type: single nucleotide variant.
Coding change: c.782A>G on transcript NM_001103.4 (MANE Select); coding-DNA position 782, A replaced by G.
Protein change: p.Gln261Arg; replaces glutamine 261 with arginine.
Molecular consequence: missense variant. On other transcripts: intron variant (1).
Genome position (GRCh38, 1-based): chr1:236,735,719, A>G. VCF-style: chr1-236735719-A-G. GRCh37 (hg19) VCF-style: chr1-236899019-A-G.
Other names: c.47A>G, p.Gln16Arg (NM_001278344.2); c.-79A>G (NM_001412150.1); c.783+1201A>G (NM_001278343.2); short protein forms Q16R, Q261R.
Identifiers: ClinVar variation 1993041 (VCV001993041.4), dbSNP rs189862112, ClinGen allele CA345377746.
Genomic context (GRCh38, chr1:236,735,719, plus strand): 5'-ATGAAAGAGCCATCATGACGTACGTCTCTTGCTTCTACCACGCTTTTGCGGGCGCGGAGC[A>G]GGTACTCAACACTTGTCCGTCCGGGCTGTTGTGTTACTCTCTGTTGGTTTTAGTTGTGTG-3'
Protein context (NP_001094.1, residues 251-271): CFYHAFAGAE[Gln261Arg]AETAANRICK

ClinVar aggregate classification (germline): Uncertain significance (1 of 4 stars; one submission).

Conditions:
Dilated cardiomyopathy 1AA (CMD1AA). Also called: CARDIOMYOPATHY, DILATED, 1AA, WITH OR WITHOUT LEFT VENTRICULAR NONCOMPACTION; CARDIOMYOPATHY, FAMILIAL HYPERTROPHIC, 23, WITH OR WITHOUT LEFT VENTRICULAR NONCOMPACTION; Cardiomyopathy, dilated, 1AA, with or without LVNC. Identifiers: Orphanet 154, MedGen C2677338, MONDO:0012808, OMIM 612158.
Primary familial hypertrophic cardiomyopathy (HCM). Identifiers: Orphanet 99739, MedGen C0949658, MeSH D024741, MONDO:0024573. Inheritance: Various modes of inheritance.

Submission:

Labcorp Genetics (formerly Invitae), Labcorp
Classification: Uncertain significance for Primary familial hypertrophic cardiomyopathy; Dilated cardiomyopathy 1AA. Last evaluated: 2022-07-30. Review status: criteria provided, single submitter. Criteria: Invitae Variant Classification Sherloc (09022015). Collection method: clinical testing. Allele origin: germline.
Comment: Algorithms developed to predict the effect of sequence changes on RNA splicing suggest that this variant may disrupt the consensus splice site. In summary, the available evidence is currently insufficient to determine the role of this variant in disease. Therefore, it has been classified as a Variant of Uncertain Significance. Algorithms developed to predict the effect of missense changes on protein structure and function are either unavailable or do not agree on the potential impact of this missense change (SIFT: "Deleterious"; PolyPhen-2: "Benign"; Align-GVGD: "Class C35"). This sequence change replaces glutamine, which is neutral and polar, with arginine, which is basic and polar, at codon 261 of the ACTN2 protein (p.Gln261Arg). This variant is not present in population databases (gnomAD no frequency). This variant has not been reported in the literature in individuals affected with ACTN2-related conditions.